The following is an entry in ClinVar:

NM_001267550.2(TTN):c.25063+7G>A

Gene: TTN (titin; minus strand). Cytogenetic location: 2q31.2.
Variant type: single nucleotide variant.
Coding change: c.25063+7G>A on transcript NM_001267550.2 (MANE Select); 7 bases into the intron after coding-DNA position 25063, G replaced by A.
Molecular consequence: intron variant.
Genome position (GRCh38, 1-based): chr2:178,717,936, C>T on the plus strand (G>A on the coding strand, the complement: TTN is on the minus strand). VCF-style: chr2-178717936-C-T. GRCh37 (hg19) VCF-style: chr2-179582663-C-T.
Other names: p.?; c.13282+20146G>A (NM_003319.4); c.13858+20146G>A (NM_133437.4); c.13657+20146G>A (NM_133432.3); c.21331+7G>A (NM_133378.4); c.24112+7G>A (NM_001256850.1).
Identifiers: ClinVar variation 4684618 (VCV004684618.1).

ClinVar aggregate classification (germline): Likely benign (1 of 4 stars; one submission).

gnomAD v4.1: 3 of 1,609,114 alleles (0.00019%); highest among the groups gnomAD compares: East Asian, 0.0067%; no homozygotes.

Submission:

Mayo Clinic Laboratories, Mayo Clinic
Classification: Likely benign. Last evaluated: 2025-10-30. Review status: criteria provided, single submitter. Criteria: ACMG Guidelines, 2015. Collection method: clinical testing. Allele origin: germline. Observed: 1 variant allele.
Comment: BP4, BP7